The following is an entry in ClinVar:

NM_007294.4(BRCA1):c.2301C>A (p.Ser767Arg)

Gene: BRCA1 (BRCA1 DNA repair associated; minus strand). Cytogenetic location: 17q21.31.
Variant type: single nucleotide variant.
Coding change: c.2301C>A on transcript NM_007294.4 (MANE Select); coding-DNA position 2301, C replaced by A.
Protein change: p.Ser767Arg; replaces serine 767 with arginine.
Molecular consequence: missense variant. On other transcripts: intron variant (137).
Genome position (GRCh38, 1-based): chr17:43,093,230, G>T on the plus strand (C>A on the coding strand, the complement: BRCA1 is on the minus strand). VCF-style: chr17-43093230-G-T. GRCh37 (hg19) VCF-style: chr17-41245247-G-T.
Other names: c.2160C>A, p.Ser720Arg (NM_001407726.1, NM_001407727.1, NM_001407728.1 and 29 more transcripts); c.2157C>A, p.Ser719Arg (NM_001407747.1, NM_001407748.1, NM_001407740.1 and 20 more transcripts); c.646+1514C>A (NM_001408460.1, NM_001408454.1, NM_001408456.1 and 11 more transcripts); c.706+1514C>A (NM_001408413.1, NM_001408416.1); c.586+1514C>A (NM_001408476.1, NM_001408474.1); c.709+1514C>A (NM_001408409.1, NM_001408414.1, NM_001408411.1 and 2 more transcripts); c.574+1514C>A (NM_001408493.1, NM_001408490.1, NM_001408491.1); c.454+1514C>A (NM_001408502.1); and 41 more; short protein forms S767R, S720R, S471R, S656R, S679R, S764R, S599R, S697R.
Identifiers: ClinVar variation 955600 (VCV000955600.8), dbSNP rs2053785413, ClinGen allele CA10597399.

ClinVar aggregate classification (germline): Conflicting classifications of pathogenicity. Review status: criteria provided, conflicting classifications (1 of 4 stars). 2 submissions from 2 submitters: Uncertain significance (1); Likely benign (1). Last evaluated 2023-03-23.

Conditions:
Hereditary breast ovarian cancer syndrome. Also called: Hereditary breast and ovarian cancer; Hereditary breast and/or ovarian cancer syndrome; Hereditary breast and ovarian cancer syndrome; Hereditary breast and ovarian cancer syndrome (HBOC); Breast and ovarian cancer; BRCA1- and BRCA2-Associated Hereditary Breast and Ovarian Cancer. Identifiers: Orphanet 145, MedGen C0677776, MeSH D061325, MONDO:0003582. Disease mechanism: loss of function.
Hereditary cancer-predisposing syndrome. Also called: Hereditary neoplastic syndrome; Tumor predisposition; Neoplastic Syndromes, Hereditary; Hereditary Cancer Syndrome. Identifiers: Orphanet 140162, MedGen C0027672, MeSH D009386, MONDO:0015356.

Submissions (2):

University of Washington Department of Laboratory Medicine, University of Washington
Classification: Likely benign for Hereditary cancer-predisposing syndrome. Last evaluated: 2023-03-23. Review status: criteria provided, single submitter. Criteria: Dines et al. (Genet Med. 2020). Collection method: curation. Allele origin: germline.
Comment: Missense variant in a coldspot region where missense variants are very unlikely to be pathogenic (PMID:31911673).

BRCA1 coldspot (exon 11 using historical exon numbering). Reclassification based on statistical prior probability

Labcorp Genetics (formerly Invitae), Labcorp
Classification: Uncertain significance for Hereditary breast ovarian cancer syndrome. Last evaluated: 2021-09-01. Review status: criteria provided, single submitter. Criteria: Invitae Variant Classification Sherloc (09022015). Collection method: clinical testing. Allele origin: germline.